The following is an entry in ClinVar:

ClinVar aggregate classification (germline): Benign/Likely benign. Review status: criteria provided, multiple submitters, no conflicts (2 of 4 stars). 3 submissions from 3 submitters: Benign (1); Likely benign (2). Last evaluated 2026-01-26.

Conditions:
Encephalopathy, acute, infection-induced (herpes-specific), susceptibility to, 1. Also called: Herpes simplex encephalitis, susceptibility to, 1. Identifiers: Orphanet 1930, MedGen C2750180, MONDO:0024563, OMIM 610551.

Allele frequency attached by ClinVar (database versions not stated): gnomAD 0.00002 and 0.00012; 1000 Genomes Project 0.00100; TOPMed 0.00008; 1000 Genomes Project 30x 0.00078.
gnomAD v4.1: 421 of 1,614,180 alleles (0.026%); highest among the groups gnomAD compares: South Asian, 0.4%; 4 homozygotes.

Submissions (3):

Labcorp Genetics (formerly Invitae), Labcorp
Classification: Benign for Encephalopathy, acute, infection-induced (herpes-specific), susceptibility to, 1. Last evaluated: 2026-01-26. Review status: criteria provided, single submitter. Criteria: Invitae Variant Classification Sherloc (09022015). Collection method: clinical testing. Allele origin: germline.

Mayo Clinic Laboratories, Mayo Clinic
Classification: Likely benign. Last evaluated: 2025-03-31. Review status: criteria provided, single submitter. Criteria: ACMG Guidelines, 2015. Collection method: clinical testing. Allele origin: germline. Observed: 1 variant allele.
Comment: BP4, BP7

Blueprint Genetics
Classification: Likely benign. Last evaluated: 2024-11-18. Review status: criteria provided, single submitter. Criteria: ACMG Guidelines, 2015. Collection method: clinical testing. Allele origin: germline.

NM_003265.3(TLR3):c.1683G>A (p.Leu561=)

Gene: TLR3 (toll like receptor 3; plus strand). Cytogenetic location: 4q35.1.
Variant type: single nucleotide variant.
Coding change: c.1683G>A on transcript NM_003265.3 (MANE Select); coding-DNA position 1683, G replaced by A.
Protein change: p.Leu561=; no amino-acid change (leucine 561 retained).
Molecular consequence: synonymous variant.
Genome position (GRCh38, 1-based): chr4:186,083,369, G>A. VCF-style: chr4-186083369-G-A. GRCh37 (hg19) VCF-style: chr4-187004523-G-A.
Other names: p.Leu561=.
Identifiers: ClinVar variation 744910 (VCV000744910.13), dbSNP rs571300094, ClinGen allele CA3161454.